The following is an entry in ClinVar:

ClinVar aggregate classification (germline): Pathogenic. Review status: criteria provided, multiple submitters, no conflicts (2 of 4 stars). 2 submissions from 2 submitters: Pathogenic (2). Last evaluated 2015-08-11.

Conditions:
Lissencephaly due to LIS1 mutation (LIS1). Also called: Isolated Lissencephaly Sequence; PAFAH1B1-Associated Lissencephaly/Subcortical Band Heterotopia; PAFAH1B1-Related Lissencephaly/Subcortical Band Heterotopia. Identifiers: Orphanet 95232, MedGen C4749301, MONDO:0011830, OMIM 607432.

Submissions (2):

GeneDx
Classification: Pathogenic. Last evaluated: 2015-08-11. Review status: criteria provided, single submitter. Criteria: GeneDx Variant Classification (06012015). Collection method: clinical testing. Allele origin: germline. Affected: yes.
Comment: The c.441dupA duplication in the PAFAH1B1 gene has not been reported previously as a pathogenic variant nor as a benign polymorphism, to our knowledge. The c.441dupA duplication causes a frameshiftstarting with codon Glycine 148, changes this amino acid to an Arginine residue, and creates a prematureStop codon at position 28 of the new reading frame, denoted p.Gly148ArgfsX28. This variant is predictedto cause loss of normal protein function either through protein truncation or nonsense-mediated mRNAdecay. The c.441dupA duplication was not observed in approximately 6,500 individuals of European andAfrican American ancestry in the NHLBI Exome Sequencing Project, indicating it is not a common benignvariant in these populations. We interpret c.441dupA as a pathogenic variant.

Genetic Services Laboratory, University of Chicago
Classification: Pathogenic for Lissencephaly 1. Last evaluated: 2015-06-24. Review status: criteria provided, single submitter. Criteria: ACMG Guidelines, 2015. Collection method: clinical testing. Allele origin: germline. Affected: yes.

NM_000430.4(PAFAH1B1):c.441dup (p.Gly148fs)

Gene: PAFAH1B1 (platelet activating factor acetylhydrolase 1b regulatory subunit 1; plus strand). Cytogenetic location: 17p13.3.
Variant type: Duplication.
Coding change: c.441dup on transcript NM_000430.4 (MANE Select); coding-DNA position 441, one base duplicated (A; older notation c.441dupA).
Protein change: p.Gly148fs; shifts the reading frame from glycine 148.
Molecular consequence: frameshift variant.
Genome position (GRCh38, 1-based): chr17:2,670,204, A duplicated; the last of 3 consecutive A bases (chr17:2,670,202-2,670,204); duplicating any one gives the same sequence. VCF-style (leftmost placement, unchanged base first): chr17-2670201-T-TA. GRCh37 (hg19) VCF-style: chr17-2573495-T-TA.
Other names: short protein forms G148fs.
Identifiers: ClinVar variation 211825 (VCV000211825.7), dbSNP rs797045861, ClinGen allele CA277369.